The following is an entry in ClinVar:

ClinVar aggregate classification (germline): Pathogenic. Review status: criteria provided, multiple submitters, no conflicts (2 of 4 stars). 3 submissions from 3 submitters: Pathogenic (2). 1 of the submissions does not count toward it. Last evaluated 2020-01-03.

Conditions:
Granulomatous disease, chronic, X-linked. Also called: CYTOCHROME b-NEGATIVE GRANULOMATOUS DISEASE, CHRONIC, X-LINKED; GRANULOMATOUS DISEASE, CHRONIC, X-LINKED, SOMATIC MOSAIC. Identifiers: Orphanet 379, MedGen C1844376, MONDO:0010600, OMIM 306400.

Submissions (3):

Labcorp Genetics (formerly Invitae), Labcorp
Classification: Pathogenic for Granulomatous disease, chronic, X-linked. Last evaluated: 2020-01-03. Review status: criteria provided, single submitter. Criteria: Invitae Variant Classification Sherloc (09022015). Collection method: clinical testing. Allele origin: germline.
Comment: This variant has been reported to affect CYBB protein function (PMID: 21659519). In addition, advanced modeling of protein sequence and biophysical properties (such as structural, functional, and spatial information, amino acid conservation, physicochemical variation, residue mobility, and thermodynamic stability) performed at Invitae indicates that this missense variant is expected to disrupt CYBB protein function. This variant has been observed in individuals affected with X-linked chronic granulomatous disease (PMID: 8101486, 10914676, 30470980). ClinVar contains an entry for this variant (Variation ID: 68391). This variant is not present in population databases (ExAC no frequency). This sequence change replaces alanine with glutamic acid at codon 57 of the CYBB protein (p.Ala57Glu). The alanine residue is highly conserved and there is a moderate physicochemical difference between alanine and glutamic acid. For these reasons, this variant has been classified as Pathogenic.

GeneDx
Classification: Pathogenic. Last evaluated: 2015-08-07. Review status: criteria provided, single submitter. Criteria: GeneDx Variant Classification (06012015). Collection method: clinical testing. Allele origin: germline. Affected: yes.
Comment: The A57E missense variant in the CYBB gene has been reported previously in association with X-linkedchronic granulomatous disease (Ariga et al., 1993). It was not observed in approximately 6,500 individuals ofEuropean and African American ancestry in the NHLBI Exome Sequencing Project, indicating it is not acommon benign variant in these populations. A57E is a non-conservative amino acid substitution, which islikely to impact secondary protein structure as these residues differ in polarity, charge, size and/or otherproperties. This substitution occurs at a position that is conserved across species and in-silico analysispredicts this variant is probably damaging to the protein structure/function. In addition, missense variants innearby residues (A53D, R54G/M/S, A55D, P56L, C59R/F/Y/W, N63K, C64R, M65R, L66P) have beenreported in the Human Gene Mutation Database in association with chronic granulomatous disease (Stenson etal., 2014), supporting the functional importance of this region of the protein. Therefore, we interpret A57E as a pathogenic variant.

UniProtKB/Swiss-Prot
No classification provided. Review status: no classification provided. Collection method: not provided. Allele origin: not provided. Not counted in ClinVar's aggregate classification.

Literature cited by the submitters: PubMed 21659519 (cited by Labcorp Genetics (formerly Invitae), Labcorp); PubMed 8101486 (cited by Labcorp Genetics (formerly Invitae), Labcorp); PubMed 10914676 (cited by Labcorp Genetics (formerly Invitae), Labcorp); PubMed 30470980 (cited by Labcorp Genetics (formerly Invitae), Labcorp).

NM_000397.4(CYBB):c.170C>A (p.Ala57Glu)

Gene: CYBB (cytochrome b-245 beta chain; plus strand). Cytogenetic location: Xp21.1.
Variant type: single nucleotide variant.
Coding change: c.170C>A on transcript NM_000397.4 (MANE Select); coding-DNA position 170, C replaced by A.
Protein change: p.Ala57Glu; replaces alanine 57 with glutamic acid.
Molecular consequence: missense variant.
Genome position (GRCh38, 1-based): chrX:37,783,518, C>A. VCF-style: chrX-37783518-C-A. GRCh37 (hg19) VCF-style: chrX-37642771-C-A.
Other names: short protein forms A57E.
Identifiers: ClinVar variation 68391 (VCV000068391.9), dbSNP rs151344481, ClinGen allele CA219714.
Genomic context (GRCh38, chrX:37,783,518, plus strand): 5'-AGTCACTCTGCTCCCTTTCCCGCCTCTTCTAGTCAGCACTGGCACTGGCCAGGGCCCCTG[C>A]AGCCTGCCTGAATTTCAACTGCATGCTGATTCTCTTGCCAGTCTGTCGAAATCTGCTGTC-3'
Protein context (NP_000388.2, residues 47-67): GSALALARAP[Ala57Glu]ACLNFNCMLI